The following is an entry in ClinVar:

NM_001370658.1(BTD):c.*2693C>T

Gene: BTD (biotinidase; plus strand). Cytogenetic location: 3p25.1.
Variant type: single nucleotide variant.
Coding change: c.*2693C>T on transcript NM_001370658.1 (MANE Select); 2693 bases downstream of the stop codon, C replaced by T.
Molecular consequence: 3 prime UTR variant. On other transcripts: intron variant (8).
Genome position (GRCh38, 1-based): chr3:15,648,181, C>T. VCF-style: chr3-15648181-C-T. GRCh37 (hg19) VCF-style: chr3-15689688-C-T.
Other names: c.*2693C>T (NM_001281723.4, NM_001281724.3, NM_001281725.3 and 16 more transcripts); c.1015+3250C>T (NM_001370752.1, NM_001407379.1); c.399+6124C>T (NM_001370753.1, NM_001407400.1, NM_001407401.1 and 1 more transcripts); c.400-1330C>T (NM_001407398.1, NM_001407399.1).
Identifiers: ClinVar variation 4988036 (VCV004988036.1).

ClinVar aggregate classification (germline): Likely benign (1 of 4 stars; one submission).

Conditions:
BTD-related disorder. Also called: BTD-related condition.

gnomAD v4.1: 11 of 152,302 alleles (0.0072%); highest among the groups gnomAD compares: South Asian, 0.041%; no homozygotes.

Submission:

PreventionGenetics, part of Exact Sciences
Classification: Likely benign for BTD-related condition. Last evaluated: 2024-12-12. Review status: criteria provided, single submitter. Criteria: ACMG Guidelines, 2015. Collection method: clinical testing. Allele origin: germline.
Comment: This variant is classified as likely benign based on ACMG/AMP sequence variant interpretation guidelines (Richards et al. 2015 PMID: 25741868, with internal and published modifications).